The following is an entry in ClinVar:

ClinVar aggregate classification (germline): Uncertain significance. Review status: criteria provided, multiple submitters, no conflicts (2 of 4 stars). 3 submissions from 3 submitters: Uncertain significance (3). Last evaluated 2024-04-02.

Conditions:
Ataxia-telangiectasia syndrome (AT). Also called: Ataxia telangiectasia (A-T); ATAXIA-TELANGIECTASIA, COMPLEMENTATION GROUP A; ATAXIA-TELANGIECTASIA, FRESNO VARIANT; Ataxia-telangiectasia; Ataxia-telangiectasia, complementation group E; LOUIS-BAR SYNDROME. Identifiers: Orphanet 100, MedGen C0004135, MONDO:0008840, OMIM 208900.
Hereditary cancer-predisposing syndrome. Also called: Neoplastic Syndromes, Hereditary; Tumor predisposition; Hereditary Cancer Syndrome; Hereditary neoplastic syndrome. Identifiers: Orphanet 140162, MedGen C0027672, MeSH D009386, MONDO:0015356.

Allele frequency attached by ClinVar (database versions not stated): gnomAD exomes below 0.00001.
gnomAD v4.1: 1 of 1,614,166 alleles (0.000062%); highest among the groups gnomAD compares: Non-Finnish European, 0.000085%; no homozygotes.

Submissions (3):

Ambry Genetics
Classification: Uncertain significance for Hereditary cancer-predisposing syndrome. Last evaluated: 2024-04-02. Review status: criteria provided, single submitter. Criteria: Ambry Variant Classification Scheme 2023. Collection method: clinical testing. Allele origin: germline.
Comment: The p.L2474S variant (also known as c.7421T>C), located in coding exon 49 of the ATM gene, results from a T to C substitution at nucleotide position 7421. The leucine at codon 2474 is replaced by serine, an amino acid with dissimilar properties. This amino acid position is highly conserved in available vertebrate species. In addition, this alteration is predicted to be deleterious by in silico analysis. Based on the available evidence, the clinical significance of this alteration remains unclear.

Institute for Clinical Genetics, University Hospital TU Dresden, University Hospital TU Dresden
Classification: Uncertain significance. Last evaluated: 2021-11-03. Review status: criteria provided, single submitter. Criteria: ACMG Guidelines, 2015. Collection method: clinical testing. Allele origin: germline.

Labcorp Genetics (formerly Invitae), Labcorp
Classification: Uncertain significance for Ataxia-telangiectasia syndrome. Last evaluated: 2020-04-15. Review status: criteria provided, single submitter. Criteria: Invitae Variant Classification Sherloc (09022015). Collection method: clinical testing. Allele origin: germline.
Comment: This variant has not been reported in the literature in individuals with ATM-related conditions. In summary, the available evidence is currently insufficient to determine the role of this variant in disease. Therefore, it has been classified as a Variant of Uncertain Significance. Algorithms developed to predict the effect of missense changes on protein structure and function (SIFT, PolyPhen-2, Align-GVGD) all suggest that this variant is likely to be disruptive, but these predictions have not been confirmed by published functional studies and their clinical significance is uncertain. This variant is not present in population databases (ExAC no frequency). This sequence change replaces leucine with serine at codon 2474 of the ATM protein (p.Leu2474Ser). The leucine residue is highly conserved and there is a large physicochemical difference between leucine and serine.

NM_000051.4(ATM):c.7421T>C (p.Leu2474Ser)

Genes: C11orf65 (chromosome 11 open reading frame 65; minus strand), ATM (ATM serine/threonine kinase; plus strand). Cytogenetic location: 11q22.3.
Variant type: single nucleotide variant.
Coding change: c.7421T>C on transcript NM_000051.4 (MANE Select); coding-DNA position 7421, T replaced by C.
Protein change: p.Leu2474Ser; replaces leucine 2474 with serine.
Molecular consequence: missense variant. On other transcripts: intron variant (2).
Genome position (GRCh38, 1-based): chr11:108,330,327, T>C. VCF-style: chr11-108330327-T-C. GRCh37 (hg19) VCF-style: chr11-108201054-T-C.
Other names: c.7421T>C, p.Leu2474Ser (NM_001351834.2); c.641-21256A>G (NM_001330368.2); c.*38+4893A>G (NM_001351110.2); short protein forms L2474S.
Identifiers: ClinVar variation 1051313 (VCV001051313.49), dbSNP rs2136458920, ClinGen allele CA382560203.